The following is an entry in ClinVar:

ClinVar aggregate classification (germline): Uncertain significance (1 of 4 stars; one submission).

Conditions:
Cardiovascular phenotype. Identifiers: MedGen CN230736.

gnomAD v4.1: 1 of 1,608,712 alleles (0.000062%); highest among the groups gnomAD compares: Non-Finnish European, 0.000085%; no homozygotes.

Submission:

Ambry Genetics
Classification: Uncertain significance for Cardiovascular phenotype. Last evaluated: 2025-07-12. Review status: criteria provided, single submitter. Criteria: Ambry Variant Classification Scheme 2023. Collection method: clinical testing. Allele origin: germline.
Comment: The p.T1686A variant (also known as c.5056A>G), located in coding exon 13 of the TNXB gene, results from an A to G substitution at nucleotide position 5056. The threonine at codon 1686 is replaced by alanine, an amino acid with similar properties. This amino acid position is conserved. In addition, this alteration is predicted to be tolerated by in silico analysis. Based on the available evidence, the clinical significance of this variant remains unclear.

NM_001365276.2(TNXB):c.5056A>G (p.Thr1686Ala)

Gene: TNXB (tenascin XB; minus strand). Cytogenetic location: 6p21.33.
Variant type: single nucleotide variant.
Coding change: c.5056A>G on transcript NM_001365276.2 (MANE Select); coding-DNA position 5056, A replaced by G.
Protein change: p.Thr1686Ala; replaces threonine 1686 with alanine.
Molecular consequence: missense variant.
Genome position (GRCh38, 1-based): chr6:32,070,349, T>C on the plus strand (A>G on the coding strand, the complement: TNXB is on the minus strand). VCF-style: chr6-32070349-T-C. GRCh37 (hg19) VCF-style: chr6-32038126-T-C.
Other names: c.5797A>G, p.Thr1933Ala (NM_001428335.1); c.5056A>G, p.Thr1686Ala (NM_019105.8); short protein forms T1686A, T1933A.
Identifiers: ClinVar variation 4188690 (VCV004188690.1).